The following is an entry in ClinVar:

NM_001170629.2(CHD8):c.4780G>A (p.Asp1594Asn)

Gene: CHD8 (chromodomain helicase DNA binding protein 8; minus strand). Cytogenetic location: 14q11.2.
Variant type: single nucleotide variant.
Coding change: c.4780G>A on transcript NM_001170629.2 (MANE Select); coding-DNA position 4780, G replaced by A.
Protein change: p.Asp1594Asn; replaces aspartic acid 1594 with asparagine.
Molecular consequence: missense variant.
Genome position (GRCh38, 1-based): chr14:21,400,018, C>T on the plus strand (G>A on the coding strand, the complement: CHD8 is on the minus strand). VCF-style: chr14-21400018-C-T. GRCh37 (hg19) VCF-style: chr14-21868177-C-T.
Other names: c.3943G>A, p.Asp1315Asn (NM_020920.4); short protein forms D1315N, D1594N.
Identifiers: ClinVar variation 2506254 (VCV002506254.1), dbSNP rs2501886489, ClinGen allele CA388889954.

ClinVar aggregate classification (germline): Uncertain significance (1 of 4 stars; one submission).

Submission:

Women's Health and Genetics/Laboratory Corporation of America, LabCorp
Classification: Uncertain significance. Last evaluated: 2023-05-16. Review status: criteria provided, single submitter. Criteria: LabCorp Variant Classification Summary - May 2015. Collection method: clinical testing. Allele origin: germline.
Comment: Variant summary: CHD8 c.4780G>A (p.Asp1594Asn) results in a conservative amino acid change in the encoded protein sequence. Four of five in-silico tools predict a benign effect of the variant on protein function. The variant was absent in 248784 control chromosomes (gnomAD). The available data on variant occurrences in the general population are insufficient to allow any conclusion about variant significance. To our knowledge, no occurrence of c.4780G>A in individuals affected with CHD8-Related Disorders and no experimental evidence demonstrating its impact on protein function have been reported. No clinical diagnostic laboratories have submitted clinical-significance assessments for this variant to ClinVar after 2014. Based on the evidence outlined above, the variant was classified as uncertain significance.